The following is an entry in ClinVar:

ClinVar aggregate classification (germline): Uncertain significance (1 of 4 stars; one submission).

gnomAD v4.1: 1 of 1,544,862 alleles (0.000065%); highest among the groups gnomAD compares: Admixed American, 0.0017%; no homozygotes.

Submission:

Labcorp Genetics (formerly Invitae), Labcorp
Classification: Uncertain significance. Last evaluated: 2024-10-22. Review status: criteria provided, single submitter. Criteria: Invitae Variant Classification Sherloc (09022015). Collection method: clinical testing. Allele origin: germline.
Comment: This sequence change replaces alanine, which is neutral and non-polar, with valine, which is neutral and non-polar, at codon 122 of the GINS1 protein (p.Ala122Val). This variant is not present in population databases (gnomAD no frequency). This variant has not been reported in the literature in individuals affected with GINS1-related conditions. ClinVar contains an entry for this variant (Variation ID: 1974927). An algorithm developed to predict the effect of missense changes on protein structure and function (PolyPhen-2) suggests that this variant is likely to be disruptive. In summary, the available evidence is currently insufficient to determine the role of this variant in disease. Therefore, it has been classified as a Variant of Uncertain Significance.

NM_021067.5(GINS1):c.365C>T (p.Ala122Val)

Gene: GINS1 (GINS complex subunit 1; plus strand). Cytogenetic location: 20p11.21.
Variant type: single nucleotide variant.
Coding change: c.365C>T on transcript NM_021067.5 (MANE Select); coding-DNA position 365, C replaced by T.
Protein change: p.Ala122Val; replaces alanine 122 with valine.
Molecular consequence: missense variant. On other transcripts: non-coding transcript variant (1).
Genome position (GRCh38, 1-based): chr20:25,425,245, C>T. VCF-style: chr20-25425245-C-T. GRCh37 (hg19) VCF-style: chr20-25405881-C-T.
Other names: c.110C>T, p.Ala37Val (NM_001410831.1); short protein forms A122V, A37V.
Identifiers: ClinVar variation 1974927 (VCV001974927.5), dbSNP rs2516038429, ClinGen allele CA408448806.